The following is an entry in ClinVar:

ClinVar aggregate classification (germline): Uncertain significance. Review status: criteria provided, multiple submitters, no conflicts (2 of 4 stars). 4 submissions from 4 submitters: Uncertain significance (3). 1 of the submissions does not count toward it. Last evaluated 2024-05-06.

Conditions:
Meckel syndrome, type 5 (MKS5). Identifiers: Orphanet 564, MedGen C1969052, MONDO:0012695, OMIM 611561.
COACH syndrome 3. Identifiers: MedGen C5436841, MONDO:0030862, OMIM 619113.
Joubert syndrome 7 (JBTS7). Identifiers: Orphanet 220497, MedGen C1969053, MONDO:0012694, OMIM 611560.
RPGRIP1L-related disorder. Also called: RPGRIP1L-related disorders; RPGRIP1L-related condition. Identifiers: MedGen CN239416.
Meckel-Gruber syndrome. Also called: Dysencephalia splachnocystica; DYSENCEPHALIA SPLANCHNOCYSTICA; GRUBER SYNDROME. Identifiers: Orphanet 564, MedGen C0265215, MONDO:0018921.
Joubert syndrome. Also called: JOUBERT-BOLTSHAUSER SYNDROME; Familial aplasia of the vermis. Identifiers: Orphanet 475, MedGen C5979921, MONDO:0018772.

Allele frequency attached by ClinVar (database versions not stated): ExAC 0.00001; gnomAD exomes 0.00001 and 0.00002; gnomAD 0.00002; TOPMed 0.00002.
gnomAD v4.1: 9 of 1,614,022 alleles (0.00056%); highest among the groups gnomAD compares: Admixed American, 0.01%; no homozygotes.

Submissions (4):

Women's Health and Genetics/Laboratory Corporation of America, LabCorp
Classification: Uncertain significance. Last evaluated: 2024-05-06. Review status: criteria provided, single submitter. Criteria: LabCorp Variant Classification Summary - May 2015. Collection method: clinical testing. Allele origin: germline.

Labcorp Genetics (formerly Invitae), Labcorp
Classification: Uncertain significance for Joubert syndrome; Meckel-Gruber syndrome. Last evaluated: 2022-10-22. Review status: criteria provided, single submitter. Criteria: Invitae Variant Classification Sherloc (09022015). Collection method: clinical testing. Allele origin: germline.
Comment: This sequence change falls in intron 26 of the RPGRIP1L gene. It does not directly change the encoded amino acid sequence of the RPGRIP1L protein. It affects a nucleotide within the consensus splice site. This variant is present in population databases (rs769218955, gnomAD 0.02%). This variant has not been reported in the literature in individuals affected with RPGRIP1L-related conditions. ClinVar contains an entry for this variant (Variation ID: 1503312). Variants that disrupt the consensus splice site are a relatively common cause of aberrant splicing (PMID: 17576681, 9536098). Algorithms developed to predict the effect of sequence changes on RNA splicing suggest that this variant may disrupt the consensus splice site. In summary, the available evidence is currently insufficient to determine the role of this variant in disease. Therefore, it has been classified as a Variant of Uncertain Significance.

Fulgent Genetics
Classification: Uncertain significance for Joubert syndrome 7; Meckel syndrome, type 5; COACH syndrome 3. Last evaluated: 2021-08-25. Review status: criteria provided, single submitter. Criteria: ACMG Guidelines, 2015. Collection method: clinical testing. Allele origin: unknown.

PreventionGenetics, part of Exact Sciences
Classification: Uncertain significance for RPGRIP1L-related condition. Last evaluated: 2024-08-02. Review status: no assertion criteria provided. Collection method: clinical testing. Allele origin: germline. Not counted in ClinVar's aggregate classification.
Comment: The RPGRIP1L c.3835+3A>G variant is predicted to interfere with splicing. To our knowledge, this variant has not been reported in the literature. This variant is reported in 0.014% of alleles in individuals of Latino descent in gnomAD. At this time, the clinical significance of this variant is uncertain due to the absence of conclusive functional and genetic evidence.

Literature cited by the submitters: PubMed 17576681 (cited by Labcorp Genetics (formerly Invitae), Labcorp); PubMed 9536098 (cited by Labcorp Genetics (formerly Invitae), Labcorp).

NM_015272.5(RPGRIP1L):c.3835+3A>G

Gene: RPGRIP1L (RPGRIP1 like; minus strand). Cytogenetic location: 16q12.2.
Variant type: single nucleotide variant.
Coding change: c.3835+3A>G on transcript NM_015272.5 (MANE Select); 3 bases into the intron after coding-DNA position 3835, A replaced by G.
Molecular consequence: intron variant.
Genome position (GRCh38, 1-based): chr16:53,605,478, T>C on the plus strand (A>G on the coding strand, the complement: RPGRIP1L is on the minus strand). VCF-style: chr16-53605478-T-C. GRCh37 (hg19) VCF-style: chr16-53639390-T-C.
Other names: c.3595+3A>G (NM_001127897.4); c.3733+3A>G (NM_001330538.2); c.3697+3A>G (NM_001308334.3); c.3835+3A>G (NM_015272.4).
Identifiers: ClinVar variation 1503312 (VCV001503312.6), dbSNP rs769218955, ClinGen allele CA8057168.